The following is an entry in ClinVar:

ClinVar aggregate classification (germline): Likely benign (1 of 4 stars; one submission).

Submission:

CeGaT Center for Human Genetics Tuebingen
Classification: Likely benign. Last evaluated: 2022-04-01. Review status: criteria provided, single submitter. Criteria: CeGaT Center For Human Genetics Tuebingen Variant Classification Criteria Version 2. Collection method: clinical testing. Allele origin: germline. Affected: yes. Observed: 1 variant allele.
Comment: GOLGA6A: BP4, BP7

NM_001038640.2(GOLGA6A):c.1104G>A (p.Arg368=)

Gene: GOLGA6A (golgin A6 family member A; minus strand). Cytogenetic location: 15q24.1.
Variant type: single nucleotide variant.
Coding change: c.1104G>A on transcript NM_001038640.2 (MANE Select); coding-DNA position 1104, G replaced by A.
Protein change: p.Arg368=; no amino-acid change (arginine 368 retained).
Molecular consequence: synonymous variant.
Genome position (GRCh38, 1-based): chr15:74,074,745, C>T on the plus strand (G>A on the coding strand, the complement: GOLGA6A is on the minus strand). VCF-style: chr15-74074745-C-T. GRCh37 (hg19) VCF-style: chr15-74367086-C-T.
Identifiers: ClinVar variation 2645533 (VCV002645533.24), dbSNP rs2071967694, ClinGen allele CA491484254.